The following is an entry in ClinVar:

ClinVar aggregate classification (germline): Uncertain significance. Review status: criteria provided, multiple submitters, no conflicts (2 of 4 stars). 2 submissions from 2 submitters: Uncertain significance (2). Last evaluated 2023-05-20.

Conditions:
Intellectual developmental disorder with dysmorphic facies and behavioral abnormalities. Identifiers: MedGen C4748135, MONDO:0060760, OMIM 618089.

gnomAD v4.1: 20 of 1,613,970 alleles (0.0012%); highest among the groups gnomAD compares: Non-Finnish European, 0.0014%; no homozygotes.

Submissions (2):

Labcorp Genetics (formerly Invitae), Labcorp
Classification: Uncertain significance. Last evaluated: 2023-05-20. Review status: criteria provided, single submitter. Criteria: Invitae Variant Classification Sherloc (09022015). Collection method: clinical testing. Allele origin: germline.
Comment: In summary, the available evidence is currently insufficient to determine the role of this variant in disease. Therefore, it has been classified as a Variant of Uncertain Significance. Algorithms developed to predict the effect of missense changes on protein structure and function output the following: SIFT: "Not Available"; PolyPhen-2: "Benign"; Align-GVGD: "Not Available". The alanine amino acid residue is found in multiple mammalian species, which suggests that this missense change does not adversely affect protein function. ClinVar contains an entry for this variant (Variation ID: 1375464). This variant has not been reported in the literature in individuals affected with FBXO11-related conditions. This variant is present in population databases (no rsID available, gnomAD 0.007%). This sequence change replaces threonine, which is neutral and polar, with alanine, which is neutral and non-polar, at codon 126 of the FBXO11 protein (p.Thr126Ala).

New York Genome Center
Classification: Uncertain significance for Intellectual developmental disorder with dysmorphic facies and behavioral abnormalities. Last evaluated: 2021-07-30. Review status: criteria provided, single submitter. Criteria: NYGC Assertion Criteria 2020. Collection method: clinical testing. Allele origin: inherited. Observed: 1 heterozygote. Study: CSER-NYCKidSeq.

NM_001190274.2(FBXO11):c.376A>G (p.Thr126Ala)

Gene: FBXO11 (F-box protein 11; minus strand). Cytogenetic location: 2p16.3.
Variant type: single nucleotide variant.
Coding change: c.376A>G on transcript NM_001190274.2 (MANE Select); coding-DNA position 376, A replaced by G.
Protein change: p.Thr126Ala; replaces threonine 126 with alanine.
Molecular consequence: missense variant.
Genome position (GRCh38, 1-based): chr2:47,839,485, T>C on the plus strand (A>G on the coding strand, the complement: FBXO11 is on the minus strand). VCF-style: chr2-47839485-T-C. GRCh37 (hg19) VCF-style: chr2-48066624-T-C.
Other names: c.124A>G, p.Thr42Ala (NM_001374325.1, NM_025133.4); short protein forms T42A, T126A.
Identifiers: ClinVar variation 1375464 (VCV001375464.7), dbSNP rs17036993, ClinGen allele CA346813478.